The following is an entry in ClinVar:

NM_001961.4(EEF2):c.1039G>A (p.Gly347Arg)

Gene: EEF2 (eukaryotic translation elongation factor 2; minus strand). Cytogenetic location: 19p13.3.
Variant type: single nucleotide variant.
Coding change: c.1039G>A on transcript NM_001961.4 (MANE Select); coding-DNA position 1039, G replaced by A.
Protein change: p.Gly347Arg; replaces glycine 347 with arginine.
Molecular consequence: missense variant.
Genome position (GRCh38, 1-based): chr19:3,980,952, C>T on the plus strand (G>A on the coding strand, the complement: EEF2 is on the minus strand). VCF-style: chr19-3980952-C-T. GRCh37 (hg19) VCF-style: chr19-3980950-C-T.
Other names: short protein forms G347R.
Identifiers: ClinVar variation 1701632 (VCV001701632.1), dbSNP rs2145361569, ClinGen allele CA403393536.
Genomic context (GRCh38, chr19:3,980,952, plus strand): 5'-ACTTCTGGGCCGTCACAGGGGAGGGCAGGTGGATGGTGATCATCTGCAACAAGGCGTCTC[C>T]GGCAGGCAGCCAGCGGCGCATCACAGCCTGCGGGGGCAGAGAGCGGTGCATGAGACACCT-3'
Protein context (NP_001952.1, residues 337-357): KAVMRRWLPA[Gly347Arg]DALLQMITIH

ClinVar aggregate classification (germline): Uncertain significance (1 of 4 stars; one submission).

Conditions:
EEF2-related Neurodevelopmental disorder.

Submission:

New York Genome Center
Classification: Uncertain significance for EEF2-related Neurodevelopmental disorder. Last evaluated: 2021-10-23. Review status: criteria provided, single submitter. Criteria: NYGC Assertion Criteria 2020. Collection method: clinical testing. Allele origin: germline. Observed: 1 heterozygote. Study: CSER-NYCKidSeq.
Comment: The heterozygous missense variant c.1039G>A (p.Gly347Arg) identified in exon 8 (of 15) of the EEF2 gene has not been reported in affected individuals in the literature. The variant is absent from the gnomAD(v3) database suggesting it is not a common benign variant in the populations represented in that database. This variant affects a highly conserved residue (Gly347) of the EEF2 gene and is predicted deleterious by multiple in silico prediction tools (CADD score =24.8, REVEL score = 0.768). Due to the lack of compelling evidence for its pathogenicity, the heterozygous c.1039G>A (p.Gly347Arg) missense variant identified in the EEF2 gene is reported as a Variant of Uncertain Significance.